The following is an entry in ClinVar:

ClinVar aggregate classification (germline): Uncertain significance (1 of 4 stars; one submission).

gnomAD v4.1: 3 of 1,614,124 alleles (0.00019%); highest among the groups gnomAD compares: Non-Finnish European, 0.00017%; no homozygotes.

Submission:

Labcorp Genetics (formerly Invitae), Labcorp
Classification: Uncertain significance. Last evaluated: 2025-10-01. Review status: criteria provided, single submitter. Criteria: Invitae Variant Classification Sherloc (09022015). Collection method: clinical testing. Allele origin: germline.
Comment: This sequence change replaces threonine, which is neutral and polar, with isoleucine, which is neutral and non-polar, at codon 747 of the NSD1 protein (p.Thr747Ile). This variant is not present in population databases (gnomAD no frequency). This variant has not been reported in the literature in individuals affected with NSD1-related conditions. ClinVar contains an entry for this variant (Variation ID: 2149681). Invitae Evidence Modeling of protein sequence and biophysical properties (such as structural, functional, and spatial information, amino acid conservation, physicochemical variation, residue mobility, and thermodynamic stability) indicates that this missense variant is not expected to disrupt NSD1 protein function with a negative predictive value of 95%. In summary, the available evidence is currently insufficient to determine the role of this variant in disease. Therefore, it has been classified as a Variant of Uncertain Significance.

NM_022455.5(NSD1):c.2240C>T (p.Thr747Ile)

Gene: NSD1 (nuclear receptor binding SET domain protein 1; plus strand). Cytogenetic location: 5q35.3.
Variant type: single nucleotide variant.
Coding change: c.2240C>T on transcript NM_022455.5 (MANE Select); coding-DNA position 2240, C replaced by T.
Protein change: p.Thr747Ile; replaces threonine 747 with isoleucine.
Molecular consequence: missense variant.
Genome position (GRCh38, 1-based): chr5:177,210,639, C>T. VCF-style: chr5-177210639-C-T. GRCh37 (hg19) VCF-style: chr5-176637640-C-T.
Other names: c.1367C>T, p.Thr456Ile (NM_001365684.2, NM_001409306.1, NM_001409307.1 and 3 more transcripts); c.2240C>T, p.Thr747Ile (NM_001409301.1, NM_001409302.1, NM_001409303.1); c.1820C>T, p.Thr607Ile (NM_001409304.1); c.1487C>T, p.Thr496Ile (NM_001409305.1); short protein forms T478I, T747I, T496I, T607I, T456I.
Identifiers: ClinVar variation 2149681 (VCV002149681.4), dbSNP rs779427675, ClinGen allele CA362314831.